The following is an entry in ClinVar:

ClinVar aggregate classification (germline): Uncertain significance. Review status: criteria provided, single submitter (1 of 4 stars). 2 submissions from 2 submitters: Uncertain significance (1). 1 of the submissions does not count toward it. Last evaluated 2025-05-21.

Allele frequency attached by ClinVar (database versions not stated): gnomAD exomes 0.00001 and below 0.00001; ESP Exome Variant Server 0.00008; ExAC 0.00001.

Submissions (2):

Women's Health and Genetics/Laboratory Corporation of America, LabCorp
Classification: Uncertain significance. Last evaluated: 2025-05-21. Review status: criteria provided, single submitter. Criteria: LabCorp Variant Classification Summary - May 2015. Collection method: clinical testing. Allele origin: germline.
Comment: Variant summary: GRN c.473G>A (p.Cys158Tyr) results in a non-conservative amino acid change located in the Granulin domain (IPR000118) of the encoded protein sequence. Algorithms developed to predict the effect of missense changes on protein structure and function all suggest that this variant is likely to be disruptive. The variant allele was found at a frequency of 1.2e-05 in 251342 control chromosomes. The available data on variant occurrences in the general population are insufficient to allow any conclusion about variant significance. To our knowledge, no occurrence of c.473G>A in individuals affected with Neuronal Ceroid-Lipofuscinosis (Batten Disease) and no experimental evidence demonstrating its impact on protein function have been reported, although the variant has been reported in unaffected controls in the literature (e.g., vanderZee_2007). The following publications have been ascertained in the context of this evaluation (PMID: 19020205, 17345602). ClinVar contains an entry for this variant (Variation ID: 98143). Based on the evidence outlined above, the variant was classified as uncertain significance.

VIB  Department of Molecular Genetics, University of Antwerp
No classification provided. Review status: no classification provided. Collection method: not provided. Allele origin: unknown. Not counted in ClinVar's aggregate classification.

Literature cited by the submitters: PubMed 19020205 (cited by Women's Health and Genetics/Laboratory Corporation of America, LabCorp); PubMed 17345602 (cited by Women's Health and Genetics/Laboratory Corporation of America, LabCorp).

NM_002087.4(GRN):c.473G>A (p.Cys158Tyr)

Gene: GRN (granulin precursor; plus strand). Cytogenetic location: 17q21.31.
Variant type: single nucleotide variant.
Coding change: c.473G>A on transcript NM_002087.4 (MANE Select); coding-DNA position 473, G replaced by A.
Protein change: p.Cys158Tyr; replaces cysteine 158 with tyrosine.
Molecular consequence: missense variant.
Genome position (GRCh38, 1-based): chr17:44,350,452, G>A. VCF-style: chr17-44350452-G-A. GRCh37 (hg19) VCF-style: chr17-42427820-G-A.
Other names: c.473G>A (NM_002087.3); short protein forms C158Y.
Identifiers: ClinVar variation 98143 (VCV000098143.3), dbSNP rs63750163, ClinGen allele CA225251.